The following is an entry in ClinVar:

ClinVar aggregate classification (germline): Conflicting classifications of pathogenicity. Review status: criteria provided, conflicting classifications (1 of 4 stars). 2 submissions from 2 submitters: Uncertain significance (1); Benign (1). Last evaluated 2025-09-09.

Conditions:
Hereditary cancer-predisposing syndrome. Also called: Hereditary neoplastic syndrome; Hereditary Cancer Syndrome; Neoplastic Syndromes, Hereditary; Tumor predisposition. Identifiers: Orphanet 140162, MedGen C0027672, MeSH D009386, MONDO:0015356.

Submissions (2):

Ambry Genetics
Classification: Benign for Hereditary cancer-predisposing syndrome. Last evaluated: 2025-09-09. Review status: criteria provided, single submitter. Criteria: Ambry Variant Classification Scheme 2023. Collection method: clinical testing. Allele origin: germline.

Color Diagnostics, LLC DBA Color Health
Classification: Uncertain significance for Hereditary cancer-predisposing syndrome. Last evaluated: 2025-06-17. Review status: criteria provided, single submitter. Criteria: ACMG Guidelines, 2015. Collection method: clinical testing. Allele origin: germline.
Comment: This missense variant replaces leucine with phenylalanine at codon 77 of the MUTYH protein. Computational prediction suggests that this variant may not impact protein structure and function. To our knowledge, functional studies have not been reported for this variant. This variant has not been reported in individuals affected with MUTYH-related disorders in the literature. This variant has not been identified in the general population by the Genome Aggregation Database (gnomAD). The available evidence is insufficient to determine the role of this variant in disease conclusively. Therefore, this variant is classified as a Variant of Uncertain Significance.

NM_001048174.2(MUTYH):c.147G>T (p.Leu49Phe)

Gene: MUTYH (mutY DNA glycosylase; minus strand). Cytogenetic location: 1p34.1.
Variant type: single nucleotide variant.
Coding change: c.147G>T on transcript NM_001048174.2 (MANE Select); coding-DNA position 147, G replaced by T.
Protein change: p.Leu49Phe; replaces leucine 49 with phenylalanine.
Molecular consequence: missense variant. On other transcripts: 5 prime UTR variant (1), non-coding transcript variant (5), intron variant (5).
Genome position (GRCh38, 1-based): chr1:45,333,530, C>A on the plus strand (G>T on the coding strand, the complement: MUTYH is on the minus strand). VCF-style: chr1-45333530-C-A. GRCh37 (hg19) VCF-style: chr1-45799202-C-A.
Other names: c.147G>T, p.Leu49Phe (NM_001048171.2, NM_001048173.2, NM_001293195.2 and 6 more transcripts); c.150G>T, p.Leu50Phe (NM_001048172.2, NM_001407071.1, NM_001407078.1 and 2 more transcripts); c.231G>T, p.Leu77Phe (NM_001128425.2); c.192G>T, p.Leu64Phe (NM_001293190.2); c.180G>T, p.Leu60Phe (NM_001293191.2, NM_001407077.1); c.-125G>T (NM_001350650.2); c.222G>T, p.Leu74Phe (NM_001407069.1, NM_012222.3); c.189G>T, p.Leu63Phe (NM_001407073.1, NM_001407083.1, NM_001407085.1); and 4 more; short protein forms L64F, L60F, L63F, L21F, L49F, L56F, L77F, L50F.
Identifiers: ClinVar variation 2567639 (VCV002567639.4), dbSNP rs2149175323, ClinGen allele CA340136594.